The following is an entry in ClinVar:

ClinVar aggregate classification (germline): Likely pathogenic (1 of 4 stars; one submission).

Conditions:
Neurofibromatosis, type 1 (NF1). Also called: NEUROFIBROMATOSIS, TYPE I, SOMATIC; Peripheral type neurofibromatosis; Neurofibromatosis, type I; VON RECKLINGHAUSEN DISEASE. Identifiers: Orphanet 636, MedGen C0027831, MONDO:0018975, OMIM 162200. Disease mechanism: loss of function.

Submission:

Regional Center For Medical Genetics Timis, Louis Turcanu Emergency Hospital for Children Timisoara
Classification: Likely pathogenic for Neurofibromatosis, type 1. Review status: criteria provided, single submitter. Criteria: ACMG Guidelines, 2015. Collection method: clinical testing. Allele origin: unknown. Affected: yes.
Comment: The variant was not identified in the population databases consulted (gnomAD), suggesting that it does not represent a common benign variant in the general population. The variant is located in a region known for low tolerance to missense variants. At the same polypeptide position, additional missense variants with pathogenic/likely pathogenic significance implicated in neurofibromatosis type 1 have been reported, p.(Phe1884Leu) and p.(Phe1884Cys). Therefore, this variant was classified as likely pathogenic.

NM_001042492.3(NF1):c.5651T>C (p.Phe1884Ser)

Gene: NF1 (neurofibromin 1; plus strand). Cytogenetic location: 17q11.2.
Variant type: single nucleotide variant.
Coding change: c.5651T>C on transcript NM_001042492.3 (MANE Select); coding-DNA position 5651, T replaced by C.
Protein change: p.Phe1884Ser; replaces phenylalanine 1884 with serine.
Molecular consequence: missense variant.
Genome position (GRCh38, 1-based): chr17:31,330,337, T>C. VCF-style: chr17-31330337-T-C. GRCh37 (hg19) VCF-style: chr17-29657355-T-C.
Other names: c.5588T>C, p.Phe1863Ser (NM_000267.4); short protein forms F1863S, F1884S.
Identifiers: ClinVar variation 4857605 (VCV004857605.1).